The following is an entry in ClinVar:

NM_000170.3(GLDC):c.1381C>T (p.Arg461Trp)

Gene: GLDC (glycine decarboxylase; minus strand). Cytogenetic location: 9p24.1.
Variant type: single nucleotide variant.
Coding change: c.1381C>T on transcript NM_000170.3 (MANE Select); coding-DNA position 1381, C replaced by T.
Protein change: p.Arg461Trp; replaces arginine 461 with tryptophan.
Molecular consequence: missense variant.
Genome position (GRCh38, 1-based): chr9:6,592,871, G>A on the plus strand (C>T on the coding strand, the complement: GLDC is on the minus strand). VCF-style: chr9-6592871-G-A. GRCh37 (hg19) VCF-style: chr9-6592871-G-A.
Other names: short protein forms R461W.
Identifiers: ClinVar variation 552091 (VCV000552091.15), dbSNP rs761957837, ClinGen allele CA4980746.

ClinVar aggregate classification (germline): Pathogenic/Likely pathogenic. Review status: criteria provided, multiple submitters, no conflicts (2 of 4 stars). 6 submissions from 6 submitters: Pathogenic (3); Likely pathogenic (2). 1 of the submissions does not count toward it. Last evaluated 2026-09-19.

Conditions:
Glycine encephalopathy 1 (GCE1). Identifiers: MedGen CN376801, MONDO:0958179, OMIM 605899.
GLDC-related disorder. Also called: GLDC-related condition.
Glycine encephalopathy. Also called: Nonketotic hyperglycinemia; Non-ketotic hyperglycinemia. Identifiers: Orphanet 407, MedGen C0751748, MONDO:0011612, HP:0008288.
GLDC-related disorders.

Allele frequency attached by ClinVar (database versions not stated): TOPMed below 0.00001; gnomAD exomes 0.00001; ExAC 0.00002.
gnomAD v4.1: 15 of 1,613,676 alleles (0.00093%); highest among the groups gnomAD compares: South Asian, 0.0055%; no homozygotes.

Submissions (6):

PreventionGenetics, part of Exact Sciences
Classification: Pathogenic for GLDC-related condition. Last evaluated: 2026-09-19. Review status: criteria provided, single submitter. Criteria: ACMG Guidelines, 2015. Collection method: clinical testing. Allele origin: germline.
Comment: The GLDC c.1381C>T variant is predicted to result in the amino acid substitution p.Arg461Trp. This variant was reported in the homozygous and compound heterozygous states in individuals with severe non-ketotic hyperglycinaemia (Supplementary Data, Swanson et al. 2015. PubMed ID: 26179960; Table 1, Bravo-Alonso et al. 2017. PubMed ID: 28244183; Supplementary Data Coughlin et al. 2016. PubMed ID: 27362913) and in the homozygous state in an individual with glycine encephalopathy (eTable2, Maron et al. 2023. PubMed ID: 37432431; Conter et al. 2006. PubMed ID: 16601880; Coughlin et al. 2016. PubMed ID: 27362913). Functional studies suggest that this variant impacts protein function (Bravo-Alonso et al. 2017. PubMed ID: 28244183). An alternate variant at the same amino acid position (p.Arg461Gln) has been reported in individuals with non-ketotic hyperglycinemia (see for example: Conter et al. 2006. PubMed ID: 16601880; Suzuki et al. 2010. PubMed ID: 20691948; Coughlin et al. 2016. PubMed ID: 27362913; Farris et al. 2020. PubMed ID: 32421718). This variant is reported in 0.0065% of alleles in individuals of South Asian descent in gnomAD. This variant is interpreted as pathogenic.

Natera, Inc.
Classification: Likely pathogenic for Non-ketotic hyperglycinemia. Last evaluated: 2024-12-19. Review status: criteria provided, single submitter. Criteria: Natera Variant Classification Schema (03/2026). Collection method: clinical testing. Allele origin: germline.
Comment: The c.1381C>T variant in GLDC is a missense variant predicted to cause substitution of arginine to tryptophan at amino acid 461. This variant is rare in the general population with a frequency below the threshold expected for the associated phenotype(s). This variant has been observed in one or more individuals affected with the associated recessive disease, as either homozygous or compound heterozygous with a second variant (PMID: 26179960, 37432431). Functional studies show that this variant may disrupt protein function (PMID: 28244183). A different variant at the same position has been determined to be Pathogenic or Likely Pathogenic. Computational prediction algorithms indicate this variant is likely to affect gene or protein function. Given the available evidence, this variant is classified as Likely Pathogenic.

Blueprint Genetics
Classification: Pathogenic for GLDC-related disorders. Last evaluated: 2024-01-30. Review status: criteria provided, single submitter. Criteria: ACMG Guidelines, 2015. Collection method: clinical testing. Allele origin: germline. Affected: yes. Observed: 1 variant allele.

Athena Diagnostics
Classification: Likely pathogenic. Last evaluated: 2021-10-05. Review status: criteria provided, single submitter. Criteria: Athena Diagnostics Criteria. Collection method: clinical testing. Allele origin: unknown.
Comment: This variant appears to segregate with disease in at least one family (PMID: 26179960). Assessment of experimental evidence suggests this variant results in abnormal protein function (PMID: 28244183). Additionally, computational tools yielded predictions that this amino acid change may be damaging to the protein. The frequency of this variant in the general population is consistent with pathogenicity. This observation is not an independent occurrence and has been identified in the same individual by RCIGM, the other laboratory participating in the GEMINI study.

Labcorp Genetics (formerly Invitae), Labcorp
Classification: Pathogenic for Glycine encephalopathy. Last evaluated: 2021-06-30. Review status: criteria provided, single submitter. Criteria: Invitae Variant Classification Sherloc (09022015). Collection method: clinical testing. Allele origin: germline.
Comment: This variant is present in population databases (rs761957837, ExAC 0.01%). This sequence change replaces arginine with tryptophan at codon 461 of the GLDC protein (p.Arg461Trp). The arginine residue is highly conserved and there is a moderate physicochemical difference between arginine and tryptophan. This variant has been observed in individual(s) with glycine encephalopathy (PMID: 27362913). For these reasons, this variant has been classified as Pathogenic. This variant disrupts the p.Arg461 amino acid residue in GLDC. Other variant(s) that disrupt this residue have been determined to be pathogenic (PMID: 16601880, 26179960). This suggests that this residue is clinically significant, and that variants that disrupt this residue are likely to be disease-causing. Experimental studies have shown that this variant affects GLDC protein function (PMID: 28244183). Advanced modeling of protein sequence and biophysical properties (such as structural, functional, and spatial information, amino acid conservation, physicochemical variation, residue mobility, and thermodynamic stability) performed at Invitae indicates that this missense variant is expected to disrupt GLDC protein function. ClinVar contains an entry for this variant (Variation ID: 552091).

Counsyl
Classification: Uncertain significance for Glycine encephalopathy 1. Last evaluated: 2017-05-22. Review status: no assertion criteria provided. Collection method: clinical testing. Allele origin: unknown. Not counted in ClinVar's aggregate classification.

Literature cited by the submitters: PubMed 26179960 (cited by 3 submitters); PubMed 37432431 (cited by Natera, Inc.); PubMed 28244183 (cited by 3 submitters); PubMed 27362913 (cited by Labcorp Genetics (formerly Invitae), Labcorp and Counsyl); PubMed 16601880 (cited by Labcorp Genetics (formerly Invitae), Labcorp).